The following is an entry in ClinVar:

ClinVar aggregate classification (germline): Uncertain significance. Review status: criteria provided, multiple submitters, no conflicts (2 of 4 stars). 4 submissions from 4 submitters: Uncertain significance (4). Last evaluated 2025-08-11.

Conditions:
Hereditary cancer-predisposing syndrome. Also called: Hereditary neoplastic syndrome; Tumor predisposition; Hereditary Cancer Syndrome; Neoplastic Syndromes, Hereditary. Identifiers: Orphanet 140162, MedGen C0027672, MeSH D009386, MONDO:0015356.

Allele frequency attached by ClinVar (database versions not stated): gnomAD exomes below 0.00001; TOPMed below 0.00001; ExAC 0.00001; gnomAD 0.00001.
gnomAD v4.1: 4 of 1,614,018 alleles (0.00025%); highest among the groups gnomAD compares: Non-Finnish European, 0.00025%; no homozygotes.

Submissions (4):

Ambry Genetics
Classification: Uncertain significance for Hereditary cancer-predisposing syndrome. Last evaluated: 2025-08-11. Review status: criteria provided, single submitter. Criteria: Ambry Variant Classification Scheme 2023. Collection method: clinical testing. Allele origin: germline.
Comment: The p.M915I variant (also known as c.2745G>A), located in coding exon 20 of the MSH3 gene, results from a G to A substitution at nucleotide position 2745. The methionine at codon 915 is replaced by isoleucine, an amino acid with highly similar properties. This amino acid position is conserved. In addition, this alteration is predicted to be deleterious by in silico analysis. Since supporting evidence is limited at this time, the clinical significance of this alteration remains unclear.

Center for Genomic Medicine, Rigshospitalet, Copenhagen University Hospital
Classification: Uncertain significance. Last evaluated: 2025-03-04. Review status: criteria provided, single submitter. Criteria: ACMG Guidelines, 2015. Collection method: clinical testing. Allele origin: germline.

GeneDx
Classification: Uncertain significance. Last evaluated: 2024-07-12. Review status: criteria provided, single submitter. Criteria: GeneDx Variant Classification Process June 2021. Collection method: clinical testing. Allele origin: germline. Affected: yes.
Comment: Not observed at significant frequency in large population cohorts (gnomAD); In silico analysis supports that this missense variant has a deleterious effect on protein structure/function; Has not been previously published as pathogenic or benign to our knowledge

Labcorp Genetics (formerly Invitae), Labcorp
Classification: Uncertain significance. Last evaluated: 2024-03-28. Review status: criteria provided, single submitter. Criteria: Invitae Variant Classification Sherloc (09022015). Collection method: clinical testing. Allele origin: germline.
Comment: This sequence change replaces methionine, which is neutral and non-polar, with isoleucine, which is neutral and non-polar, at codon 915 of the MSH3 protein (p.Met915Ile). This variant is present in population databases (rs747542374, gnomAD 0.0009%). This variant has not been reported in the literature in individuals affected with MSH3-related conditions. ClinVar contains an entry for this variant (Variation ID: 1952587). An algorithm developed to predict the effect of missense changes on protein structure and function (PolyPhen-2) suggests that this variant is likely to be disruptive. In summary, the available evidence is currently insufficient to determine the role of this variant in disease. Therefore, it has been classified as a Variant of Uncertain Significance.

NM_002439.5(MSH3):c.2745G>A (p.Met915Ile)

Gene: MSH3 (mutS homolog 3; plus strand). Cytogenetic location: 5q14.1.
Variant type: single nucleotide variant.
Coding change: c.2745G>A on transcript NM_002439.5 (MANE Select); coding-DNA position 2745, G replaced by A.
Protein change: p.Met915Ile; replaces methionine 915 with isoleucine.
Molecular consequence: missense variant.
Genome position (GRCh38, 1-based): chr5:80,813,673, G>A. VCF-style: chr5-80813673-G-A. GRCh37 (hg19) VCF-style: chr5-80109492-G-A.
Other names: c.2745G>A (NM_002439.3, NM_002439.4); short protein forms M915I.
Identifiers: ClinVar variation 1952587 (VCV001952587.11), dbSNP rs747542374, ClinGen allele CA3328344.